The following is an entry in ClinVar:

ClinVar aggregate classification (germline): Pathogenic. Review status: criteria provided, single submitter (1 of 4 stars). 2 submissions from 2 submitters: Pathogenic (1). 1 of the submissions does not count toward it. Last evaluated 2024-04-14.

Conditions:
Short-rib thoracic dysplasia 15 with polydactyly (SRTD15). Identifiers: MedGen C4310724, MONDO:0014907, OMIM 617088.

Submissions (2):

Labcorp Genetics (formerly Invitae), Labcorp
Classification: Pathogenic. Last evaluated: 2024-04-14. Review status: criteria provided, single submitter. Criteria: Invitae Variant Classification Sherloc (09022015). Collection method: clinical testing. Allele origin: germline.
Comment: This sequence change creates a premature translational stop signal (p.Val141*) in the DYNC2LI1 gene. It is expected to result in an absent or disrupted protein product. Loss-of-function variants in DYNC2LI1 are known to be pathogenic (PMID: 26077881, 26130459). This variant is present in population databases (rs770155116, gnomAD 0.02%). This premature translational stop signal has been observed in individual(s) with clinical features of DYNC2LI1-related conditions (PMID: 28857138). ClinVar contains an entry for this variant (Variation ID: 518438). For these reasons, this variant has been classified as Pathogenic.

OMIM
Classification: Pathogenic for SHORT-RIB THORACIC DYSPLASIA 15 WITH POLYDACTYLY. Last evaluated: 2023-04-17. Review status: no assertion criteria provided. Collection method: literature only. Allele origin: germline. Not counted in ClinVar's aggregate classification.

Literature cited by the submitters: PubMed 26077881 (cited by Labcorp Genetics (formerly Invitae), Labcorp); PubMed 26130459 (cited by Labcorp Genetics (formerly Invitae), Labcorp); PubMed 28857138 (cited by Labcorp Genetics (formerly Invitae), Labcorp and OMIM).

NM_016008.4(DYNC2LI1):c.420del (p.Lys140_Val141insTer)

Gene: DYNC2LI1 (dynein cytoplasmic 2 light intermediate chain 1; plus strand). Cytogenetic location: 2p21.
Variant type: Deletion.
Coding change: c.420del on transcript NM_016008.4 (MANE Select); coding-DNA position 420, one base deleted (A; older notation c.420delA).
Protein change: p.Lys140_Val141insTer.
Molecular consequence: frameshift variant.
Genome position (GRCh38, 1-based): chr2:43,794,556, A deleted; the last of 3 consecutive A bases (chr2:43,794,554-43,794,556); deleting any one gives the same sequence. VCF-style (leftmost placement, unchanged base first): chr2-43794553-CA-C. GRCh37 (hg19) VCF-style: chr2-44021692-CA-C.
Other names: c.420del, p.Lys140_Val141insTer (NM_001193464.2, NM_001348912.2, NM_001348913.2 and 1 more transcripts).
Identifiers: ClinVar variation 518438 (VCV000518438.4), dbSNP rs770155116, ClinGen allele CA1635832.
Genomic context (GRCh38, chr2:43,794,553, plus strand): 5'-ACCTAATGATCTCTGGCCCACCATGGAAAATCTCTTGCAAGCCACAAAAAGCCATGTAGA[CA>C]AAGTGATAATGAAACTGGGAAAGACAAATGCTAAAGCAGTTTCTGAAATGAGACAGAAGA-3'